The following is an entry in ClinVar:

NC_000004.11:g.(?_77082846)_(77102274_?)dup

Genes: SCARB2 (scavenger receptor class B member 2; minus strand), LOC129992690 (ATAC-STARR-seq lymphoblastoid silent region 15485; plus strand). Cytogenetic location: 4q21.1.
Variant type: Duplication.
Identifiers: ClinVar variation 583450 (VCV000583450.2).

ClinVar aggregate classification (germline): Uncertain significance (1 of 4 stars; one submission).

Conditions:
Progressive myoclonic epilepsy. Also called: Familial progressive myoclonic epilepsy; Myoclonus epilepsy; Progressive myoclonus epilepsy; Myoclonic Epilepsies, Progressive. Identifiers: Orphanet 308, Orphanet 98261, MedGen C0751778, MONDO:0020074.

Submission:

Labcorp Genetics (formerly Invitae), Labcorp
Classification: Uncertain significance for Progressive myoclonic epilepsy. Last evaluated: 2019-02-20. Review status: criteria provided, single submitter. Criteria: Invitae Variant Classification Sherloc (09022015). Collection method: clinical testing. Allele origin: germline.
Comment: This variant is a gross duplication of the genomic region encompassing exons 3-12 of the SCARB2 gene. The 5' boundary is likely confined to intron 2. The 3' end of this event is unknown as it extends beyond the assayed region for this gene and therefore may encompass additional genes. The exact location of this variant in the genome is unknown. This variant has not been reported in the literature in individuals with SCARB2-related disease. In summary, the available evidence is currently insufficient to determine the role of this variant in disease. Therefore, it has been classified as a Variant of Uncertain Significance.